The following is an entry in ClinVar:

ClinVar aggregate classification (germline): Uncertain significance. Review status: criteria provided, multiple submitters, no conflicts (2 of 4 stars). 2 submissions from 2 submitters: Uncertain significance (2). Last evaluated 2026-09-25.

Submissions (2):

GeneDx
Classification: Uncertain significance. Last evaluated: 2026-09-25. Review status: criteria provided, single submitter. Criteria: GeneDx Variant Classification Process June 2021. Collection method: clinical testing. Allele origin: germline.
Comment: Not observed at significant frequency in large population cohorts (gnomAD); In silico analysis supports a deleterious effect on splicing; Has not been previously published as pathogenic or benign to our knowledge

Labcorp Genetics (formerly Invitae), Labcorp
Classification: Uncertain significance. Last evaluated: 2023-11-12. Review status: criteria provided, single submitter. Criteria: Invitae Variant Classification Sherloc (09022015). Collection method: clinical testing. Allele origin: germline.
Comment: This sequence change falls in intron 35 of the USP9X gene. It does not directly change the encoded amino acid sequence of the USP9X protein. This variant is not present in population databases (gnomAD no frequency). This variant has not been reported in the literature in individuals affected with USP9X-related conditions. Algorithms developed to predict the effect of sequence changes on RNA splicing suggest that this variant may disrupt the consensus splice site. In summary, the available evidence is currently insufficient to determine the role of this variant in disease. Therefore, it has been classified as a Variant of Uncertain Significance.

NM_001039591.3(USP9X):c.6086-7T>G

Gene: USP9X (ubiquitin specific peptidase 9 X-linked; plus strand). Cytogenetic location: Xp11.4.
Variant type: single nucleotide variant.
Coding change: c.6086-7T>G on transcript NM_001039591.3 (MANE Select); 7 bases into the intron before coding-DNA position 6086, T replaced by G.
Molecular consequence: intron variant.
Genome position (GRCh38, 1-based): chrX:41,217,213, T>G. VCF-style: chrX-41217213-T-G. GRCh37 (hg19) VCF-style: chrX-41076466-T-G.
Other names: c.6101-7T>G (NM_001410748.1, NM_001410749.1); c.6086-7T>G (NM_001039590.3).
Identifiers: ClinVar variation 2695382 (VCV002695382.5), dbSNP rs2519375053, ClinGen allele CA2697553023.